The following is an entry in ClinVar:

ClinVar aggregate classification (germline): Uncertain significance (1 of 4 stars; one submission).

Conditions:
PMM2-congenital disorder of glycosylation. Also called: CDG Ia; JAEKEN SYNDROME; Congenital disorder of glycosylation, type Ia; PHOSPHOMANNOMUTASE 2 DEFICIENCY; CARBOHYDRATE-DEFICIENT GLYCOPROTEIN SYNDROME, TYPE Ia; PMM2-CDG. Identifiers: Orphanet 79318, MedGen C0349653, MONDO:0008907, OMIM 212065.

Submission:

Labcorp Genetics (formerly Invitae), Labcorp
Classification: Uncertain significance for Congenital disorder of glycosylation, type Ia. Last evaluated: 2019-10-24. Review status: criteria provided, single submitter. Criteria: Invitae Variant Classification Sherloc (09022015). Collection method: clinical testing. Allele origin: germline.
Comment: This variant results in a copy number gain of the genomic region encompassing the full coding sequence of the PMM2 gene. The boundaries of this event are unknown as they extend beyond the assayed region for this gene and therefore may encompass additional genes. As the precise location of this event is unknown, it may be in tandem or it may be located elsewhere in the genome. This variant has not been reported in the literature in individuals with PMM2-related conditions. In summary, the available evidence is currently insufficient to determine the role of this variant in disease. Therefore, it has been classified as a Variant of Uncertain Significance.

NC_000016.10:g.(?_8781289)_(8847845_?)dup

Genes: ABAT (4-aminobutyrate aminotransferase; plus strand), PMM2 (phosphomannomutase 2; plus strand), TMEM186 (transmembrane protein 186; minus strand). Cytogenetic location: 16p13.2.
Variant type: Duplication.
Identifiers: ClinVar variation 833220 (VCV000833220.1).